The following is an entry in ClinVar:

NM_003482.4(KMT2D):c.5898C>T (p.Pro1966=)

Gene: KMT2D (lysine methyltransferase 2D; minus strand). Cytogenetic location: 12q13.12.
Variant type: single nucleotide variant.
Coding change: c.5898C>T on transcript NM_003482.4 (MANE Select); coding-DNA position 5898, C replaced by T.
Protein change: p.Pro1966=; no amino-acid change (proline 1966 retained).
Molecular consequence: synonymous variant.
Genome position (GRCh38, 1-based): chr12:49,042,300, G>A on the plus strand (C>T on the coding strand, the complement: KMT2D is on the minus strand). VCF-style: chr12-49042300-G-A. GRCh37 (hg19) VCF-style: chr12-49436083-G-A.
Other names: c.5898C>T (NM_003482.3).
Identifiers: ClinVar variation 1621873 (VCV001621873.11), dbSNP rs761849342, ClinGen allele CA6547397.

ClinVar aggregate classification (germline): Likely benign. Review status: criteria provided, single submitter (1 of 4 stars). 2 submissions from 2 submitters: Likely benign (1). 1 of the submissions does not count toward it. Last evaluated 2025-08-13.

Conditions:
Kabuki syndrome. Also called: Kabuki make-up syndrome; NIIKAWA-KUROKI SYNDROME. Identifiers: Orphanet 2322, MedGen C0796004, MONDO:0016512.
KMT2D-related disorder. Also called: KMT2D-Related Disorders.

Allele frequency attached by ClinVar (database versions not stated): gnomAD 0.00007 and 0.00008.
gnomAD v4.1: 198 of 1,556,296 alleles (0.013%); highest among the groups gnomAD compares: Middle Eastern, 0.017%; no homozygotes.

Submissions (2):

Labcorp Genetics (formerly Invitae), Labcorp
Classification: Likely benign for Kabuki syndrome. Last evaluated: 2025-08-13. Review status: criteria provided, single submitter. Criteria: Invitae Variant Classification Sherloc (09022015). Collection method: clinical testing. Allele origin: germline.

PreventionGenetics, part of Exact Sciences
Classification: Likely benign for KMT2D-related condition. Last evaluated: 2022-05-04. Review status: no assertion criteria provided. Collection method: clinical testing. Allele origin: germline. Not counted in ClinVar's aggregate classification.
Comment: This variant is classified as likely benign based on ACMG/AMP sequence variant interpretation guidelines (Richards et al. 2015 PMID: 25741868, with internal and published modifications).